The following is an entry in ClinVar:

ClinVar aggregate classification (germline): Likely benign. Review status: criteria provided, multiple submitters, no conflicts (2 of 4 stars). 2 submissions from 2 submitters: Likely benign (2). Last evaluated 2018-06-16.

Allele frequency attached by ClinVar (database versions not stated): 1000 Genomes Project 30x 0.00437; 1000 Genomes Project 0.00439; TOPMed 0.00899; gnomAD 0.00904 and 0.00916.
gnomAD v4.1: 1,364 of 152,172 alleles (0.9%); highest among the groups gnomAD compares: Non-Finnish European, 1.5%; 8 homozygotes.

Submissions (2):

GeneDx
Classification: Likely benign. Last evaluated: 2018-06-16. Review status: criteria provided, single submitter. Criteria: GeneDx Variant Classification (06012015). Collection method: clinical testing. Allele origin: germline. Affected: yes.
Comment: This variant is considered likely benign or benign based on one or more of the following criteria: it is a conservative change, it occurs at a poorly conserved position in the protein, it is predicted to be benign by multiple in silico algorithms, and/or has population frequency not consistent with disease.

Breakthrough Genomics
Classification: Likely benign. Review status: criteria provided, single submitter. Criteria: ACMG Guidelines, 2015. Collection method: not provided. Allele origin: germline. Inheritance: Autosomal recessive inheritance. Affected: yes.

NM_006567.5(FARS2):c.612+261G>A

Genes: FARS2 (phenylalanyl-tRNA synthetase 2, mitochondrial; plus strand), LOC126859565 (CDK7 strongly-dependent group 2 enhancer GRCh37_chr6:5368745-5369944; plus strand). Cytogenetic location: 6p25.1.
Variant type: single nucleotide variant.
Coding change: c.612+261G>A on transcript NM_006567.5 (MANE Select); 261 bases into the intron after coding-DNA position 612, G replaced by A.
Molecular consequence: intron variant.
Genome position (GRCh38, 1-based): chr6:5,369,443, G>A. VCF-style: chr6-5369443-G-A. GRCh37 (hg19) VCF-style: chr6-5369676-G-A.
Other names: c.612+261G>A (NM_001374878.1, NM_001318872.2, NM_001374877.1 and 5 more transcripts); c.-340-27190G>A (NM_001375260.1); c.-84-35099G>A (NM_001375259.1).
Identifiers: ClinVar variation 680980 (VCV000680980.2), dbSNP rs76704583, ClinGen allele CA134301713.